The following is an entry in ClinVar:

NM_012431.3(SEMA3E):c.245G>T (p.Ser82Ile)

Gene: SEMA3E (semaphorin 3E; minus strand). Cytogenetic location: 7q21.11.
Variant type: single nucleotide variant.
Coding change: c.245G>T on transcript NM_012431.3 (MANE Select); coding-DNA position 245, G replaced by T.
Protein change: p.Ser82Ile; replaces serine 82 with isoleucine.
Molecular consequence: missense variant.
Genome position (GRCh38, 1-based): chr7:83,490,145, C>A on the plus strand (G>T on the coding strand, the complement: SEMA3E is on the minus strand). VCF-style: chr7-83490145-C-A. GRCh37 (hg19) VCF-style: chr7-83119461-C-A.
Other names: c.65G>T, p.Ser22Ile (NM_001178129.2); short protein forms S22I, S82I.
Identifiers: ClinVar variation 3693175 (VCV003693175.2).
Genomic context (GRCh38, chr7:83,490,145, plus strand): 5'-TACTGAAATGCAGTTTGATATTTCTATACCTCTTTATAGCCGTCACTGATTCTCTCCAAG[C>A]TGAGGGAATATACAAGGTCCCTGCCTCCCACGAAGAGCCTCTCTTGATATTCATCCAGCA-3'
Protein context (NP_036563.1, residues 72-92): VGGRDLVYSL[Ser82Ile]LERISDGYKE

ClinVar aggregate classification (germline): Uncertain significance (1 of 4 stars; one submission).

Conditions:
CHARGE syndrome (CHARGE). Also called: Hittner Hirsch Kreh syndrome; CHARGE ASSOCIATION--COLOBOMA, HEART ANOMALY, CHOANAL ATRESIA, RETARDATION, GENITAL AND EAR ANOMALIES; Coloboma, heart anomaly, choanal atresia, retardation, genital and ear anomalies; CHARGE association; Hall-Hittner syndrome. Identifiers: Orphanet 138, MedGen C0265354, MONDO:0008965.

Submission:

Labcorp Genetics (formerly Invitae), Labcorp
Classification: Uncertain significance for CHARGE syndrome. Last evaluated: 2024-11-11. Review status: criteria provided, single submitter. Criteria: Invitae Variant Classification Sherloc (09022015). Collection method: clinical testing. Allele origin: germline.
Comment: This sequence change replaces serine, which is neutral and polar, with isoleucine, which is neutral and non-polar, at codon 82 of the SEMA3E protein (p.Ser82Ile). This variant is not present in population databases (gnomAD no frequency). This variant has not been reported in the literature in individuals affected with SEMA3E-related conditions. Invitae Evidence Modeling of protein sequence and biophysical properties (such as structural, functional, and spatial information, amino acid conservation, physicochemical variation, residue mobility, and thermodynamic stability) has been performed for this missense variant. However, the output from this modeling did not meet the statistical confidence thresholds required to predict the impact of this variant on SEMA3E protein function. In summary, the available evidence is currently insufficient to determine the role of this variant in disease. Therefore, it has been classified as a Variant of Uncertain Significance.